The following is an entry in ClinVar:

NM_000301.5(PLG):c.1520C>T (p.Ala507Val)

Gene: PLG (plasminogen; plus strand). Cytogenetic location: 6q26.
Variant type: single nucleotide variant.
Coding change: c.1520C>T on transcript NM_000301.5 (MANE Select); coding-DNA position 1520, C replaced by T.
Protein change: p.Ala507Val; replaces alanine 507 with valine.
Molecular consequence: missense variant.
Genome position (GRCh38, 1-based): chr6:160,731,826, C>T. VCF-style: chr6-160731826-C-T. GRCh37 (hg19) VCF-style: chr6-161152858-C-T.
Other names: short protein forms A507V.
Identifiers: ClinVar variation 2173737 (VCV002173737.6), dbSNP rs372603134, ClinGen allele CA4087809.

ClinVar aggregate classification (germline): Uncertain significance. Review status: criteria provided, multiple submitters, no conflicts (2 of 4 stars). 3 submissions from 3 submitters: Uncertain significance (3). Last evaluated 2025-05-19.

Conditions:
Angioedema, hereditary, 4. Identifiers: MedGen C5543503, MONDO:0025712, OMIM 619360.
Plasminogen deficiency, type I. Also called: Type 1 plasminogen deficiency; Hypoplasminogenemia. Identifiers: Orphanet 722, MedGen C1968804, MONDO:0009009, OMIM 217090.

Allele frequency attached by ClinVar (database versions not stated): ExAC 0.00007; gnomAD exomes 0.00011; TOPMed 0.00011; ESP Exome Variant Server 0.00015.
gnomAD v4.1: 161 of 1,613,900 alleles (0.01%); highest among the groups gnomAD compares: Admixed American, 0.015%; no homozygotes.

Submissions (3):

Labcorp Genetics (formerly Invitae), Labcorp
Classification: Uncertain significance. Last evaluated: 2025-05-19. Review status: criteria provided, single submitter. Criteria: Invitae Variant Classification Sherloc (09022015). Collection method: clinical testing. Allele origin: germline.
Comment: This sequence change replaces alanine, which is neutral and non-polar, with valine, which is neutral and non-polar, at codon 507 of the PLG protein (p.Ala507Val). This variant is present in population databases (rs372603134, gnomAD 0.02%). This variant has not been reported in the literature in individuals affected with PLG-related conditions. ClinVar contains an entry for this variant (Variation ID: 2173737). Invitae Evidence Modeling of protein sequence and biophysical properties (such as structural, functional, and spatial information, amino acid conservation, physicochemical variation, residue mobility, and thermodynamic stability) indicates that this missense variant is not expected to disrupt PLG protein function with a negative predictive value of 80%. In summary, the available evidence is currently insufficient to determine the role of this variant in disease. Therefore, it has been classified as a Variant of Uncertain Significance.

Fulgent Genetics
Classification: Uncertain significance for Plasminogen deficiency, type I; Angioedema, hereditary, 4. Last evaluated: 2024-06-12. Review status: criteria provided, single submitter. Criteria: ACMG Guidelines, 2015. Collection method: clinical testing. Allele origin: germline.

Department of Pathology and Laboratory Medicine, Sinai Health System
Classification: Uncertain significance for Plasminogen deficiency, type I; Angioedema, hereditary, 4. Last evaluated: 2021-08-04. Review status: criteria provided, single submitter. Criteria: ACMG Guidelines, 2015. Collection method: research. Allele origin: germline.